The following is an entry in ClinVar:

NM_006346.4(PIBF1):c.1453C>T (p.Gln485Ter)

Gene: PIBF1 (progesterone immunomodulatory binding factor 1; plus strand). Cytogenetic location: 13q22.1.
Variant type: single nucleotide variant.
Coding change: c.1453C>T on transcript NM_006346.4 (MANE Select); coding-DNA position 1453, C replaced by T.
Protein change: p.Gln485Ter; replaces glutamine 485 with a stop codon.
Molecular consequence: nonsense. On other transcripts: non-coding transcript variant (2).
Genome position (GRCh38, 1-based): chr13:72,893,914, C>T. VCF-style: chr13-72893914-C-T. GRCh37 (hg19) VCF-style: chr13-73468052-C-T.
Other names: c.1540C>T, p.Gln514Ter (NM_001349655.2); short protein forms Q485*, Q514*.
Identifiers: ClinVar variation 599034 (VCV000599034.6), dbSNP rs539010725, ClinGen allele CA7002265.

ClinVar aggregate classification (germline): Pathogenic. Review status: no assertion criteria provided (0 of 4 stars). 2 submissions from 2 submitters: Pathogenic (2). Last evaluated 2020-10-26.

Conditions:
Joubert syndrome 33. Identifiers: MedGen C4540389, MONDO:0033311, OMIM 617767.

Allele frequency attached by ClinVar (database versions not stated): gnomAD 0.00001; TOPMed 0.00001.
gnomAD v4.1: 3 of 1,605,158 alleles (0.00019%); highest among the groups gnomAD compares: Non-Finnish European, 0.00026%; no homozygotes.

Submissions (2):

OMIM
Classification: Pathogenic for JOUBERT SYNDROME 33. Last evaluated: 2020-10-26. Review status: no assertion criteria provided. Collection method: literature only. Allele origin: germline.

Institute of Human Genetics, Heidelberg University
Classification: Pathogenic for Joubert syndrome 33. Review status: no assertion criteria provided. Collection method: research. Allele origin: germline. Inheritance: Autosomal recessive inheritance. Affected: yes.
Comment: The variant is observed as compound heterozygous along with the variant at Chr13:73482688 in the PIBF1 gene.

Literature cited by the submitters: PubMed 30858804 (cited by OMIM).